The following is an entry in ClinVar:

NM_152393.4(KLHL40):c.864C>T (p.Ser288=)

Gene: KLHL40 (kelch like family member 40; plus strand). Cytogenetic location: 3p22.1.
Variant type: single nucleotide variant.
Coding change: c.864C>T on transcript NM_152393.4 (MANE Select); coding-DNA position 864, C replaced by T.
Protein change: p.Ser288=; no amino-acid change (serine 288 retained).
Molecular consequence: synonymous variant.
Genome position (GRCh38, 1-based): chr3:42,686,482, C>T. VCF-style: chr3-42686482-C-T. GRCh37 (hg19) VCF-style: chr3-42727974-C-T.
Identifiers: ClinVar variation 651780 (VCV000651780.10), dbSNP rs374925596, ClinGen allele CA2336749.

ClinVar aggregate classification (germline): Conflicting classifications of pathogenicity. Review status: criteria provided, conflicting classifications (1 of 4 stars). 3 submissions from 3 submitters: Uncertain significance (1); Likely benign (2). Last evaluated 2025-11-24.

Conditions:
Nemaline myopathy 8 (NEM8). Also called: Nemaline myopathy 8, autosomal recessive. Identifiers: Orphanet 171430, MedGen C3809209, MONDO:0014138, OMIM 615348.

Allele frequency attached by ClinVar (database versions not stated): gnomAD 0.00001 and 0.00003; TOPMed 0.00003; 1000 Genomes Project 30x 0.00031.
gnomAD v4.1: 33 of 1,614,056 alleles (0.002%); highest among the groups gnomAD compares: East Asian, 0.029%; no homozygotes.

Submissions (3):

Labcorp Genetics (formerly Invitae), Labcorp
Classification: Likely benign for Nemaline myopathy 8. Last evaluated: 2025-11-24. Review status: criteria provided, single submitter. Criteria: Invitae Variant Classification Sherloc (09022015). Collection method: clinical testing. Allele origin: germline.

Blueprint Genetics
Classification: Uncertain significance. Last evaluated: 2023-09-07. Review status: criteria provided, single submitter. Criteria: ACMG Guidelines, 2015. Collection method: clinical testing. Allele origin: germline.

GeneDx
Classification: Likely benign. Last evaluated: 2018-06-01. Review status: criteria provided, single submitter. Criteria: GeneDx Variant Classification (06012015). Collection method: clinical testing. Allele origin: germline. Affected: yes.
Comment: This variant is considered likely benign or benign based on one or more of the following criteria: it is a conservative change, it occurs at a poorly conserved position in the protein, it is predicted to be benign by multiple in silico algorithms, and/or has population frequency not consistent with disease.